The following is an entry in ClinVar:

NM_000179.3(MSH6):c.1983T>C (p.Gly661=)

Gene: MSH6 (mutS homolog 6; plus strand). Cytogenetic location: 2p16.3.
Variant type: single nucleotide variant.
Coding change: c.1983T>C on transcript NM_000179.3 (MANE Select); coding-DNA position 1983, T replaced by C.
Protein change: p.Gly661=; no amino-acid change (glycine 661 retained).
Molecular consequence: synonymous variant.
Genome position (GRCh38, 1-based): chr2:47,799,966, T>C. VCF-style: chr2-47799966-T-C. GRCh37 (hg19) VCF-style: chr2-48027105-T-C.
Other names: c.1593T>C, p.Gly531= (NM_001281492.2); c.1077T>C, p.Gly359= (NM_001281493.2, NM_001281494.2).
Identifiers: ClinVar variation 479913 (VCV000479913.23), dbSNP rs1411415960, ClinGen allele CA426121275.

ClinVar aggregate classification (germline): Benign/Likely benign. Review status: criteria provided, multiple submitters, no conflicts (2 of 4 stars). 9 submissions from 9 submitters: Benign (1); Likely benign (8). Last evaluated 2026-01-28.

Conditions:
Mismatch repair cancer syndrome 3. Identifiers: MedGen C5436807, MONDO:0030841, OMIM 619097.
Endometrial carcinoma. Also called: Endometrial carcinoma, somatic. Identifiers: MedGen C0476089, MONDO:0002447, OMIM 608089, HP:0012114.
Lynch syndrome 5 (LYNCH5). Also called: Colorectal cancer, hereditary nonpolyposis, type 5; Hereditary non-polyposis colorectal cancer, type 5. Identifiers: Orphanet 144, MedGen C1833477, MONDO:0013710, OMIM 614350. Disease mechanism: loss of function.
Lynch syndrome. Identifiers: Orphanet 144, MedGen C4552100, MONDO:0005835. Disease mechanism: loss of function.
Hereditary nonpolyposis colorectal neoplasms. Identifiers: MedGen C0009405, MeSH D003123.
Hereditary cancer-predisposing syndrome. Also called: Hereditary Cancer Syndrome; Neoplastic Syndromes, Hereditary; Tumor predisposition; Hereditary neoplastic syndrome. Identifiers: Orphanet 140162, MedGen C0027672, MeSH D009386, MONDO:0015356.

Allele frequency attached by ClinVar (database versions not stated): gnomAD 0.00001; gnomAD exomes 0.00001; TOPMed 0.00001.
gnomAD v4.1: 17 of 1,613,976 alleles (0.0011%); highest among the groups gnomAD compares: African/African-American, 0.0013%; no homozygotes.

Submissions (9):

Labcorp Genetics (formerly Invitae), Labcorp
Classification: Likely benign for Hereditary nonpolyposis colorectal neoplasms. Last evaluated: 2026-01-28. Review status: criteria provided, single submitter. Criteria: Invitae Variant Classification Sherloc (09022015). Collection method: clinical testing. Allele origin: germline.

Myriad Genetics, Inc.
Classification: Benign for Lynch syndrome 5. Last evaluated: 2024-12-30. Review status: criteria provided, single submitter. Criteria: Myriad Autosomal Dominant, Autosomal Recessive and X-Linked Classification Criteria (2023). Collection method: clinical testing. Allele origin: unknown.
Comment: This variant is considered benign. This variant is a silent/synonymous amino acid change and it is not expected to impact splicing.

Department of Pathology and Laboratory Medicine, Sinai Health System
Classification: Likely benign for Endometrial carcinoma; Lynch syndrome 5; Mismatch repair cancer syndrome 3. Last evaluated: 2024-03-04. Review status: criteria provided, single submitter. Criteria: ACMG Guidelines, 2015. Collection method: clinical testing. Allele origin: germline. Affected: yes.

All of Us Research Program, National Institutes of Health
Classification: Likely benign for Lynch syndrome. Last evaluated: 2023-12-13. Review status: criteria provided, single submitter. Criteria: ACMG Guidelines, 2015. Collection method: clinical testing. Allele origin: germline. Inheritance: Autosomal dominant inheritance. Observed: 3 variant alleles, 3 heterozygotes.
Comment: This study involves interpretation of variants in research participants for the purpose of population health screening. Participant phenotype was not available at the time of variant classification. Additional details can be found in publication PMID: 35346344, PMCID: PMC8962531

Quest Diagnostics Nichols Institute San Juan Capistrano
Classification: Likely benign. Last evaluated: 2021-05-03. Review status: criteria provided, single submitter. Criteria: Quest Diagnostics criteria. Collection method: clinical testing. Allele origin: unknown.

Women's Health and Genetics/Laboratory Corporation of America, LabCorp
Classification: Likely benign. Last evaluated: 2021-03-18. Review status: criteria provided, single submitter. Criteria: LabCorp Variant Classification Summary - May 2015. Collection method: clinical testing. Allele origin: germline.

GeneDx
Classification: Likely benign. Last evaluated: 2020-02-17. Review status: criteria provided, single submitter. Criteria: GeneDx Variant Classification Process June 2021. Collection method: clinical testing. Allele origin: germline. Affected: yes.

Color Diagnostics, LLC DBA Color Health
Classification: Likely benign for Hereditary cancer-predisposing syndrome. Last evaluated: 2016-12-02. Review status: criteria provided, single submitter. Criteria: ACMG Guidelines, 2015. Collection method: clinical testing. Allele origin: germline.

Ambry Genetics
Classification: Likely benign for Hereditary cancer-predisposing syndrome. Last evaluated: 2016-08-24. Review status: criteria provided, single submitter. Criteria: Ambry Variant Classification Scheme 2023. Collection method: clinical testing. Allele origin: germline.